The following is an entry in ClinVar:

NM_022455.5(NSD1):c.540A>G (p.Ile180Met)

Gene: NSD1 (nuclear receptor binding SET domain protein 1; plus strand). Cytogenetic location: 5q35.3.
Variant type: single nucleotide variant.
Coding change: c.540A>G on transcript NM_022455.5 (MANE Select); coding-DNA position 540, A replaced by G.
Protein change: p.Ile180Met; replaces isoleucine 180 with methionine.
Molecular consequence: missense variant. On other transcripts: intron variant (8).
Genome position (GRCh38, 1-based): chr5:177,135,643, A>G. VCF-style: chr5-177135643-A-G. GRCh37 (hg19) VCF-style: chr5-176562644-A-G.
Other names: c.540A>G, p.Ile180Met (NM_001409301.1, NM_001409302.1, NM_001409303.1); c.417+123A>G (NM_001409304.1); c.-36-298A>G (NM_001409305.1, NM_001409306.1, NM_001409308.1 and 4 more transcripts); short protein forms I180M.
Identifiers: ClinVar variation 3899182 (VCV003899182.1).

ClinVar aggregate classification (germline): Uncertain significance (1 of 4 stars; one submission).

gnomAD v4.1: 2 of 1,614,130 alleles (0.00012%); highest among the groups gnomAD compares: Non-Finnish European, 0.00017%; no homozygotes.

Submission:

GeneDx
Classification: Uncertain significance. Last evaluated: 2024-11-09. Review status: criteria provided, single submitter. Criteria: GeneDx Variant Classification Process June 2021. Collection method: clinical testing. Allele origin: germline. Affected: yes.
Comment: Not observed at significant frequency in large population cohorts (gnomAD); In silico analysis indicates that this missense variant does not alter protein structure/function; Has not been previously published as pathogenic or benign to our knowledge